The following is an entry in ClinVar:

NM_014780.5(CUL7):c.5041C>G (p.Arg1681Gly)

Gene: CUL7 (cullin 7; minus strand). Cytogenetic location: 6p21.1.
Variant type: single nucleotide variant.
Coding change: c.5041C>G on transcript NM_014780.5 (MANE Select); coding-DNA position 5041, C replaced by G.
Protein change: p.Arg1681Gly; replaces arginine 1681 with glycine.
Molecular consequence: missense variant.
Genome position (GRCh38, 1-based): chr6:43,037,744, G>C on the plus strand (C>G on the coding strand, the complement: CUL7 is on the minus strand). VCF-style: chr6-43037744-G-C. GRCh37 (hg19) VCF-style: chr6-43005482-G-C.
Other names: c.5137C>G, p.Arg1713Gly (NM_001168370.2, NM_001374872.1); c.5053C>G, p.Arg1685Gly (NM_001374873.1); c.5038C>G, p.Arg1680Gly (NM_001374874.1); short protein forms R1713G, R1681G, R1685G, R1680G.
Identifiers: ClinVar variation 1027894 (VCV001027894.2), dbSNP rs375165020, ClinGen allele CA364178982.

ClinVar aggregate classification (germline): Uncertain significance. Review status: criteria provided, multiple submitters, no conflicts (2 of 4 stars). 2 submissions from 2 submitters: Uncertain significance (2). Last evaluated 2021-11-04.

Conditions:
3M syndrome 1. Also called: 3-M Syndrome, CUL7-Related. Identifiers: Orphanet 2616, MedGen C2678312, MONDO:0010117, OMIM 273750.

gnomAD v4.1: 1 of 1,573,852 alleles (0.000064%); highest among the groups gnomAD compares: Middle Eastern, 0.017%; no homozygotes.

Submissions (2):

Blueprint Genetics
Classification: Uncertain significance. Last evaluated: 2021-11-04. Review status: criteria provided, single submitter. Criteria: ACMG Guidelines, 2015. Collection method: clinical testing. Allele origin: germline.

Baylor Genetics
Classification: Uncertain significance for 3M syndrome 1. Last evaluated: 2019-08-26. Review status: criteria provided, single submitter. Criteria: ACMG Guidelines, 2015. Collection method: clinical testing. Allele origin: unknown. Affected: yes.
Comment: This variant was determined to be of uncertain significance according to ACMG Guidelines, 2015 [PMID:25741868].